The following is an entry in ClinVar:

NM_015141.4(GPD1L):c.*1del (p.Ter352=)

Gene: GPD1L (glycerol-3-phosphate dehydrogenase 1 like; plus strand). Cytogenetic location: 3p22.3.
Variant type: Deletion.
Coding change: c.*1del on transcript NM_015141.4 (MANE Select); 1 bases downstream of the stop codon, one base deleted (A; older notation c.*1delA).
Protein change: p.Ter352=.
Molecular consequence: no sequence alteration.
Genome position (GRCh38, 1-based): chr3:32,165,911, A deleted; the last of 3 consecutive A bases (chr3:32,165,909-32,165,911); deleting any one gives the same sequence. VCF-style (leftmost placement, unchanged base first): chr3-32165908-TA-T. GRCh37 (hg19) VCF-style: chr3-32207400-TA-T.
Identifiers: ClinVar variation 1365787 (VCV001365787.6), dbSNP rs2125501560, ClinGen allele CA2573136259.

ClinVar aggregate classification (germline): Uncertain significance (1 of 4 stars; one submission).

Conditions:
Brugada syndrome. Also called: Sudden Unexplained Nocturnal Death Syndrome (SUNDS); Sudden unexpected nocturnal death syndrome; Sudden unexplained nocturnal death syndrome; Sudden Unexplained Death Syndrome. Identifiers: Orphanet 130, MedGen C1142166, MONDO:0015263.

Submission:

Labcorp Genetics (formerly Invitae), Labcorp
Classification: Uncertain significance for Brugada syndrome. Last evaluated: 2025-06-09. Review status: criteria provided, single submitter. Criteria: Invitae Variant Classification Sherloc (09022015). Collection method: clinical testing. Allele origin: germline.
Comment: This variant occurs in a non-coding region of the GPD1L gene. It does not change the encoded amino acid sequence of the GPD1L protein. This variant is not present in population databases (gnomAD no frequency). This variant has not been reported in the literature in individuals affected with GPD1L-related conditions. ClinVar contains an entry for this variant (Variation ID: 1365787). Experimental studies and prediction algorithms are not available or were not evaluated, and the functional significance of this variant is currently unknown. In summary, the available evidence is currently insufficient to determine the role of this variant in disease. Therefore, it has been classified as a Variant of Uncertain Significance.